The following is an entry in ClinVar:

NC_000011.9:g.(?_95549619)_(95562458_?)del

Gene: CEP57 (centrosomal protein 57; plus strand). Cytogenetic location: 11q21.
Variant type: Deletion.
Identifiers: ClinVar variation 2425963 (VCV002425963.4).

ClinVar aggregate classification (germline): Likely pathogenic (1 of 4 stars; one submission).

Conditions:
Mosaic variegated aneuploidy syndrome 2 (MVA2). Identifiers: Orphanet 1052, MedGen C3279843, MONDO:0013582, OMIM 614114.

Submission:

Labcorp Genetics (formerly Invitae), Labcorp
Classification: Likely pathogenic for Mosaic variegated aneuploidy syndrome 2. Last evaluated: 2022-01-19. Review status: criteria provided, single submitter. Criteria: Invitae Variant Classification Sherloc (09022015). Collection method: clinical testing. Allele origin: germline.
Comment: In summary, the currently available evidence indicates that the variant is pathogenic, but additional data are needed to prove that conclusively. Therefore, this variant has been classified as Likely Pathogenic. This variant has not been reported in the literature in individuals affected with CEP57-related conditions. This variant results in the deletion of exons 5-9 and part of exon 10 (c.505-1332_1235del) of the CEP57 gene. It is expected to disrupt RNA splicing. Variants that disrupt the donor or acceptor splice site typically lead to a loss of protein function (PMID: 16199547), and loss-of-function variants in CEP57 are known to be pathogenic (PMID: 21552266, 24259107).

Literature cited by the submitters: PubMed 16199547; PubMed 21552266; PubMed 24259107.